The following is an entry in ClinVar:

ClinVar aggregate classification (germline): Uncertain significance (1 of 4 stars; one submission).

gnomAD v4.1: 8 of 1,614,170 alleles (0.0005%); highest among the groups gnomAD compares: South Asian, 0.0066%; no homozygotes.

Submission:

Labcorp Genetics (formerly Invitae), Labcorp
Classification: Uncertain significance. Last evaluated: 2026-01-19. Review status: criteria provided, single submitter. Criteria: Invitae Variant Classification Sherloc (09022015). Collection method: clinical testing. Allele origin: germline.
Comment: This sequence change replaces asparagine, which is neutral and polar, with aspartic acid, which is acidic and polar, at codon 1208 of the CDK13 protein (p.Asn1208Asp). This variant is present in population databases (rs568544829, gnomAD 0.01%). This variant has not been reported in the literature in individuals affected with CDK13-related conditions. Invitae Evidence Modeling of protein sequence and biophysical properties (such as structural, functional, and spatial information, amino acid conservation, physicochemical variation, residue mobility, and thermodynamic stability) indicates that this missense variant is not expected to disrupt CDK13 protein function with a negative predictive value of 95%. In summary, the available evidence is currently insufficient to determine the role of this variant in disease. Therefore, it has been classified as a Variant of Uncertain Significance.

NM_003718.5(CDK13):c.3622A>G (p.Asn1208Asp)

Gene: CDK13 (cyclin dependent kinase 13; plus strand). Cytogenetic location: 7p14.1.
Variant type: single nucleotide variant.
Coding change: c.3622A>G on transcript NM_003718.5 (MANE Select); coding-DNA position 3622, A replaced by G.
Protein change: p.Asn1208Asp; replaces asparagine 1208 with aspartic acid.
Molecular consequence: missense variant.
Genome position (GRCh38, 1-based): chr7:40,093,171, A>G. VCF-style: chr7-40093171-A-G. GRCh37 (hg19) VCF-style: chr7-40132770-A-G.
Other names: c.3442A>G, p.Asn1148Asp (NM_031267.4); short protein forms N1148D, N1208D.
Identifiers: ClinVar variation 4763542 (VCV004763542.1).